The following is an entry in ClinVar:

ClinVar aggregate classification (germline): Uncertain significance (1 of 4 stars; one submission).

Conditions:
Hereditary cancer-predisposing syndrome. Also called: Neoplastic Syndromes, Hereditary; Tumor predisposition; Hereditary Cancer Syndrome; Hereditary neoplastic syndrome. Identifiers: Orphanet 140162, MedGen C0027672, MeSH D009386, MONDO:0015356.

Submission:

Ambry Genetics
Classification: Uncertain significance for Hereditary cancer-predisposing syndrome. Last evaluated: 2026-02-13. Review status: criteria provided, single submitter. Criteria: Ambry Variant Classification Scheme 2023. Collection method: clinical testing. Allele origin: germline.
Comment: The c.2524+4A>G intronic variant results from an A to G substitution 4 nucleotides after coding exon 15 in the RAD50 gene. This nucleotide position is well conserved in available vertebrate species. In silico splice site analysis predicts that this alteration will not have any significant effect on splicing. Based on the available evidence, the clinical significance of this variant remains unclear.

NM_005732.4(RAD50):c.2524+4A>G

Gene: RAD50 (RAD50 double strand break repair protein; plus strand). Cytogenetic location: 5q31.1.
Variant type: single nucleotide variant.
Coding change: c.2524+4A>G on transcript NM_005732.4 (MANE Select); 4 bases into the intron after coding-DNA position 2524, A replaced by G.
Molecular consequence: intron variant.
Genome position (GRCh38, 1-based): chr5:132,604,050, A>G. VCF-style: chr5-132604050-A-G. GRCh37 (hg19) VCF-style: chr5-131939742-A-G.
Identifiers: ClinVar variation 4829949 (VCV004829949.1).
Genomic context (GRCh38, chr5:132,604,050, plus strand): 5'-GAACTGTCCAACAAGTCAACCAGGAGAAACAAGAGAAACAGCACAAGTTAGACACAGGTA[A>G]TACAGTCTGTGTCCTTCTGTACTCATAGAGACTTTGACATTGCGAGCACATGCCTTTTAC-3'